The following is an entry in ClinVar:

ClinVar aggregate classification (germline): Benign/Likely benign. Review status: criteria provided, multiple submitters, no conflicts (2 of 4 stars). 5 submissions from 5 submitters: Benign (2); Likely benign (3). Last evaluated 2026-01-31.

Conditions:
Ehlers-Danlos syndrome, classic type, 1 (EDSCL1). Also called: Ehlers-Danlos Syndrome, Classic Type, COL5A1-Related; EHLERS-DANLOS SYNDROME, GRAVIS TYPE; EHLERS-DANLOS SYNDROME, SEVERE CLASSIC TYPE; Ehlers-Danlos syndrome, type 1; EDS I. Identifiers: MedGen C0268335, MONDO:0019567, OMIM 130000.

Submissions (5):

Labcorp Genetics (formerly Invitae), Labcorp
Classification: Benign for Ehlers-Danlos syndrome, classic type, 1. Last evaluated: 2026-01-31. Review status: criteria provided, single submitter. Criteria: Invitae Variant Classification Sherloc (09022015). Collection method: clinical testing. Allele origin: germline.

Women's Health and Genetics/Laboratory Corporation of America, LabCorp
Classification: Benign. Last evaluated: 2025-11-04. Review status: criteria provided, single submitter. Criteria: LabCorp Variant Classification Summary - May 2015. Collection method: clinical testing. Allele origin: germline.
Comment: Variant summary: COL5A1 c.4954+17dupG alters a nucleotide located at a position not widely known to affect splicing. Consensus agreement among computation tools predict no significant impact on normal splicing. However, these predictions have yet to be confirmed by functional studies. The variant allele was found at a frequency of 9.1e-05 in 229984 control chromosomes. The observed variant frequency exceeds the estimated maximal expected allele frequency for disease-causing variants in COL5A1. To our knowledge, no occurrence of c.4954+17dupG in individuals affected with COL5A1-related conditions and no experimental evidence demonstrating its impact on protein function have been reported. ClinVar contains an entry for this variant (Variation ID: 255091). Based on the evidence outlined above, the variant was classified as benign.

Mayo Clinic Laboratories, Mayo Clinic
Classification: Likely benign. Last evaluated: 2025-10-02. Review status: criteria provided, single submitter. Criteria: ACMG Guidelines, 2015. Collection method: clinical testing. Allele origin: germline. Observed: 1 variant allele.
Comment: BP4, BP7

GeneDx
Classification: Likely benign. Last evaluated: 2017-07-27. Review status: criteria provided, single submitter. Criteria: GeneDx Variant Classification (06012015). Collection method: clinical testing. Allele origin: germline. Affected: yes.
Comment: This variant is considered likely benign or benign based on one or more of the following criteria: it is a conservative change, it occurs at a poorly conserved position in the protein, it is predicted to be benign by multiple in silico algorithms, and/or has population frequency not consistent with disease.

PreventionGenetics, part of Exact Sciences
Classification: Likely benign. Review status: criteria provided, single submitter. Criteria: ACMG Guidelines, 2015. Collection method: clinical testing. Allele origin: germline.

NM_000093.5(COL5A1):c.4954+17dup

Genes: COL5A1 (collagen type V alpha 1 chain; plus strand), LOC101448202 (uncharacterized LOC101448202; minus strand). Cytogenetic location: 9q34.3.
Variant type: Duplication.
Coding change: c.4954+17dup on transcript NM_000093.5 (MANE Select); 17 bases into the intron after coding-DNA position 4954, one base duplicated (G; older notation c.4954+17dupG).
Molecular consequence: intron variant.
Genome position (GRCh38, 1-based): chr9:134,824,872, G duplicated; the last of 7 consecutive G bases (chr9:134,824,866-134,824,872); duplicating any one gives the same sequence. VCF-style (leftmost placement, unchanged base first): chr9-134824865-T-TG. GRCh37 (hg19) VCF-style: chr9-137716711-T-TG.
Other names: p.?; c.4954+17dup (NM_001278074.1); c.4954+17dupG (NM_000093.3, NM_000093.4, NM_000093.5).
Identifiers: ClinVar variation 255091 (VCV000255091.8), dbSNP rs757067716, ClinGen allele CA5320511.